The following is an entry in ClinVar:

NM_000203.5(IDUA):c.1648C>T (p.Gln550Ter)

Gene: IDUA (alpha-L-iduronidase; plus strand). Cytogenetic location: 4p16.3.
Variant type: single nucleotide variant.
Coding change: c.1648C>T on transcript NM_000203.5 (MANE Select); coding-DNA position 1648, C replaced by T.
Protein change: p.Gln550Ter; replaces glutamine 550 with a stop codon.
Molecular consequence: nonsense. On other transcripts: non-coding transcript variant (1).
Genome position (GRCh38, 1-based): chr4:1,003,468, C>T. VCF-style: chr4-1003468-C-T. GRCh37 (hg19) VCF-style: chr4-997256-C-T.
Other names: c.1252C>T, p.Gln418Ter (NM_001363576.1); short protein forms Q418*, Q550*.
Identifiers: ClinVar variation 1324568 (VCV001324568.7), dbSNP rs2153022958, ClinGen allele CA355965133.

ClinVar aggregate classification (germline): Pathogenic (1 of 4 stars; one submission).

Conditions:
Mucopolysaccharidosis type 1. Also called: Mucopolysaccharidosis Type I; IDUA deficiency; MPS I. Identifiers: Orphanet 579, MedGen C0023786, MONDO:0001586.

gnomAD v4.1: 1 of 1,569,658 alleles (0.000064%); highest among the groups gnomAD compares: African/African-American, 0.0013%; no homozygotes.

Submission:

Labcorp Genetics (formerly Invitae), Labcorp
Classification: Pathogenic for Mucopolysaccharidosis type 1. Last evaluated: 2022-03-18. Review status: criteria provided, single submitter. Criteria: Invitae Variant Classification Sherloc (09022015). Collection method: clinical testing. Allele origin: germline.
Comment: This sequence change creates a premature translational stop signal (p.Gln550*) in the IDUA gene. It is expected to result in an absent or disrupted protein product. Loss-of-function variants in IDUA are known to be pathogenic (PMID: 11735025, 21480867). This variant is not present in population databases (gnomAD no frequency). For these reasons, this variant has been classified as Pathogenic. Algorithms developed to predict the effect of sequence changes on RNA splicing suggest that this variant may disrupt the consensus splice site. ClinVar contains an entry for this variant (Variation ID: 1324568). This variant has not been reported in the literature in individuals affected with IDUA-related conditions.

Literature cited by the submitters: PubMed 11735025; PubMed 21480867.